The following is an entry in ClinVar:

ClinVar aggregate classification (germline): Uncertain significance. Review status: criteria provided, multiple submitters, no conflicts (2 of 4 stars). 2 submissions from 2 submitters: Uncertain significance (2). Last evaluated 2025-03-04.

Allele frequency attached by ClinVar (database versions not stated): gnomAD exomes 0.00001; ExAC 0.00004.

Submissions (2):

Center for Genomic Medicine, Rigshospitalet, Copenhagen University Hospital
Classification: Uncertain significance. Last evaluated: 2025-03-04. Review status: criteria provided, single submitter. Criteria: ACMG Guidelines, 2015. Collection method: clinical testing. Allele origin: germline.

Ambry Genetics
Classification: Uncertain significance. Last evaluated: 2024-04-22. Review status: criteria provided, single submitter. Criteria: Ambry Variant Classification Scheme 2023. Collection method: clinical testing. Allele origin: germline.
Comment: The p.P201L variant (also known as c.602C>T), located in coding exon 1 of the TERF2IP gene, results from a C to T substitution at nucleotide position 602. The proline at codon 201 is replaced by leucine, an amino acid with similar properties. This amino acid position is conserved. In addition, this alteration is predicted to be tolerated by in silico analysis. Since supporting evidence is limited at this time, the clinical significance of this alteration remains unclear.

NM_018975.4(TERF2IP):c.602C>T (p.Pro201Leu)

Gene: TERF2IP (TERF2 interacting protein; plus strand). Cytogenetic location: 16q23.1.
Variant type: single nucleotide variant.
Coding change: c.602C>T on transcript NM_018975.4 (MANE Select); coding-DNA position 602, C replaced by T.
Protein change: p.Pro201Leu; replaces proline 201 with leucine.
Molecular consequence: missense variant. On other transcripts: non-coding transcript variant (1).
Genome position (GRCh38, 1-based): chr16:75,648,484, C>T. VCF-style: chr16-75648484-C-T. GRCh37 (hg19) VCF-style: chr16-75682382-C-T.
Other names: c.602C>T (NM_018975.3); short protein forms P201L.
Identifiers: ClinVar variation 1697788 (VCV001697788.10), dbSNP rs762304444, ClinGen allele CA8178018.